The following is an entry in ClinVar:

NM_001378454.1(ALMS1):c.9773G>A (p.Gly3258Asp)

Gene: ALMS1 (ALMS1 centrosome and basal body associated protein; plus strand). Cytogenetic location: 2p13.1.
Variant type: single nucleotide variant.
Coding change: c.9773G>A on transcript NM_001378454.1 (MANE Select); coding-DNA position 9773, G replaced by A.
Protein change: p.Gly3258Asp; replaces glycine 3258 with aspartic acid.
Molecular consequence: missense variant.
Genome position (GRCh38, 1-based): chr2:73,520,008, G>A. VCF-style: chr2-73520008-G-A. GRCh37 (hg19) VCF-style: chr2-73747135-G-A.
Other names: c.9776G>A, p.Gly3259Asp (NM_015120.4); short protein forms G3258D, G3259D.
Identifiers: ClinVar variation 2873905 (VCV002873905.2), dbSNP rs2466304142, ClinGen allele CA347281437.

ClinVar aggregate classification (germline): Uncertain significance (1 of 4 stars; one submission).

Conditions:
Alstrom syndrome (ALMS). Identifiers: Orphanet 64, MedGen C0268425, MONDO:0008763, OMIM 203800.

Submission:

Labcorp Genetics (formerly Invitae), Labcorp
Classification: Uncertain significance for Alstrom syndrome. Last evaluated: 2023-03-20. Review status: criteria provided, single submitter. Criteria: Invitae Variant Classification Sherloc (09022015). Collection method: clinical testing. Allele origin: germline.
Comment: This sequence change replaces glycine, which is neutral and non-polar, with aspartic acid, which is acidic and polar, at codon 3259 of the ALMS1 protein (p.Gly3259Asp). This variant is not present in population databases (gnomAD no frequency). This variant has not been reported in the literature in individuals affected with ALMS1-related conditions. Algorithms developed to predict the effect of missense changes on protein structure and function output the following: SIFT: "Not Available"; PolyPhen-2: "Not Available"; Align-GVGD: "Not Available". The aspartic acid amino acid residue is found in multiple mammalian species, which suggests that this missense change does not adversely affect protein function. In summary, the available evidence is currently insufficient to determine the role of this variant in disease. Therefore, it has been classified as a Variant of Uncertain Significance.